The following is an entry in ClinVar:

NC_000015.9:g.(?_78416047)_(78423557_?)dup

Gene: CIB2 (calcium and integrin binding family member 2; minus strand). Cytogenetic location: 15q25.1.
Variant type: Duplication.
Identifiers: ClinVar variation 1064225 (VCV001064225.5).

ClinVar aggregate classification (germline): Uncertain significance (1 of 4 stars; one submission).

Submission:

Labcorp Genetics (formerly Invitae), Labcorp
Classification: Uncertain significance. Last evaluated: 2020-08-06. Review status: criteria provided, single submitter. Criteria: Invitae Variant Classification Sherloc (09022015). Collection method: clinical testing. Allele origin: germline.
Comment: In summary, the available evidence is currently insufficient to determine the role of this variant in disease. Therefore, it has been classified as a Variant of Uncertain Significance. Experimental studies and prediction algorithms are not available or were not evaluated, and the functional significance of this variant is currently unknown. This variant has not been reported in the literature in individuals with CIB2-related conditions. This variant results in a copy number gain of the genomic region encompassing exon(s) 1-2 of the CIB2 gene, which includes the initiator codon. The 5' end of this event is unknown as it extends beyond the assayed region for this gene and therefore may encompass additional genes. The 3' boundary is likely confined to intron 2 of the CIB2 gene. As the precise location of this event is unknown, it may be in tandem or it may be located elsewhere in the genome.